The following is an entry in ClinVar:

NM_000051.4(ATM):c.6161C>G (p.Ala2054Gly)

Genes: ATM (ATM serine/threonine kinase; plus strand), C11orf65 (chromosome 11 open reading frame 65; minus strand). Cytogenetic location: 11q22.3.
Variant type: single nucleotide variant.
Coding change: c.6161C>G on transcript NM_000051.4 (MANE Select); coding-DNA position 6161, C replaced by G.
Protein change: p.Ala2054Gly; replaces alanine 2054 with glycine.
Molecular consequence: missense variant. On other transcripts: intron variant (2).
Genome position (GRCh38, 1-based): chr11:108,316,076, C>G. VCF-style: chr11-108316076-C-G. GRCh37 (hg19) VCF-style: chr11-108186803-C-G.
Other names: c.6161C>G, p.Ala2054Gly (NM_001351834.2); c.641-7005G>C (NM_001330368.2); c.*39-7005G>C (NM_001351110.2); short protein forms A2054G.
Identifiers: ClinVar variation 2089719 (VCV002089719.4), dbSNP rs2136130435, ClinGen allele CA382550634.

ClinVar aggregate classification (germline): Uncertain significance (1 of 4 stars; one submission).

Conditions:
Ataxia-telangiectasia syndrome (AT). Also called: ATAXIA-TELANGIECTASIA, COMPLEMENTATION GROUP A; ATAXIA-TELANGIECTASIA, FRESNO VARIANT; Ataxia-telangiectasia; Ataxia-telangiectasia, complementation group E; LOUIS-BAR SYNDROME; Cerebello-oculocutaneous telangiectasia. Identifiers: Orphanet 100, MedGen C0004135, MONDO:0008840, OMIM 208900.

gnomAD v4.1: 1 of 1,614,116 alleles (0.000062%); highest among the groups gnomAD compares: Non-Finnish European, 0.000085%; no homozygotes.

Submission:

Labcorp Genetics (formerly Invitae), Labcorp
Classification: Uncertain significance for Ataxia-telangiectasia syndrome. Last evaluated: 2022-10-16. Review status: criteria provided, single submitter. Criteria: Invitae Variant Classification Sherloc (09022015). Collection method: clinical testing. Allele origin: germline.
Comment: In summary, the available evidence is currently insufficient to determine the role of this variant in disease. Therefore, it has been classified as a Variant of Uncertain Significance. Algorithms developed to predict the effect of missense changes on protein structure and function (SIFT, PolyPhen-2, Align-GVGD) all suggest that this variant is likely to be tolerated. This variant has not been reported in the literature in individuals affected with ATM-related conditions. This variant is not present in population databases (gnomAD no frequency). This sequence change replaces alanine, which is neutral and non-polar, with glycine, which is neutral and non-polar, at codon 2054 of the ATM protein (p.Ala2054Gly).